The following is an entry in ClinVar:

ClinVar aggregate classification (germline): Uncertain significance. Review status: criteria provided, multiple submitters, no conflicts (2 of 4 stars). 2 submissions from 2 submitters: Uncertain significance (2). Last evaluated 2023-08-10.

Allele frequency attached by ClinVar (database versions not stated): ExAC 0.00001; gnomAD 0.00001; 1000 Genomes Project 0.00020; 1000 Genomes Project 30x 0.00031.

Submissions (2):

Labcorp Genetics (formerly Invitae), Labcorp
Classification: Uncertain significance. Last evaluated: 2023-08-10. Review status: criteria provided, single submitter. Criteria: Invitae Variant Classification Sherloc (09022015). Collection method: clinical testing. Allele origin: germline.
Comment: This variant has not been reported in the literature in individuals affected with RGR-related conditions. This sequence change affects a donor splice site in intron 3 of the RGR gene. It is expected to disrupt RNA splicing. Variants that disrupt the donor or acceptor splice site typically lead to a loss of protein function (PMID: 16199547), however the current clinical and genetic evidence is not sufficient to establish whether loss-of-function variants in RGR cause disease. This variant is present in population databases (rs548051515, gnomAD 0.006%). ClinVar contains an entry for this variant (Variation ID: 632141). Algorithms developed to predict the effect of sequence changes on RNA splicing suggest that this variant may disrupt the consensus splice site. In summary, the available evidence is currently insufficient to determine the role of this variant in disease. Therefore, it has been classified as a Variant of Uncertain Significance.

Blueprint Genetics
Classification: Uncertain significance. Last evaluated: 2019-02-05. Review status: criteria provided, single submitter. Criteria: ACMG Guidelines, 2015. Collection method: clinical testing. Allele origin: germline.

Literature cited by the submitters: PubMed 16199547 (cited by Labcorp Genetics (formerly Invitae), Labcorp).

NM_001012720.2(RGR):c.358+1G>A

Gene: RGR (retinal G protein coupled receptor; plus strand). Cytogenetic location: 10q23.1.
Variant type: single nucleotide variant.
Coding change: c.358+1G>A on transcript NM_001012720.2 (MANE Select); the canonical splice donor site of the intron after coding-DNA position 358, G replaced by A.
Molecular consequence: splice donor variant.
Genome position (GRCh38, 1-based): chr10:84,249,044, G>A. VCF-style: chr10-84249044-G-A. GRCh37 (hg19) VCF-style: chr10-86008800-G-A.
Other names: c.370+1G>A (NM_002921.4); c.358+1G>A (NM_001012722.2).
Identifiers: ClinVar variation 632141 (VCV000632141.9), dbSNP rs548051515, ClinGen allele CA5581400.